The following is an entry in ClinVar:

NM_000059.4(BRCA2):c.6040G>A (p.Val2014Ile)

Gene: BRCA2 (BRCA2 DNA repair associated; plus strand). Cytogenetic location: 13q13.1.
Variant type: single nucleotide variant.
Coding change: c.6040G>A on transcript NM_000059.4 (MANE Select); coding-DNA position 6040, G replaced by A.
Protein change: p.Val2014Ile; replaces valine 2014 with isoleucine.
Molecular consequence: missense variant.
Genome position (GRCh38, 1-based): chr13:32,340,395, G>A. VCF-style: chr13-32340395-G-A. GRCh37 (hg19) VCF-style: chr13-32914532-G-A.
Other names: short protein forms V2014I.
Identifiers: ClinVar variation 1320393 (VCV001320393.4), dbSNP rs2137523569, ClinGen allele CA387787832.

ClinVar aggregate classification (germline): Conflicting classifications of pathogenicity. Review status: criteria provided, conflicting classifications (1 of 4 stars). 2 submissions from 2 submitters: Uncertain significance (1); Likely benign (1). Last evaluated 2023-03-23.

Conditions:
Hereditary cancer-predisposing syndrome. Also called: Hereditary neoplastic syndrome; Neoplastic Syndromes, Hereditary; Tumor predisposition; Hereditary Cancer Syndrome. Identifiers: Orphanet 140162, MedGen C0027672, MeSH D009386, MONDO:0015356.

Submissions (2):

University of Washington Department of Laboratory Medicine, University of Washington
Classification: Likely benign for Hereditary cancer-predisposing syndrome. Last evaluated: 2023-03-23. Review status: criteria provided, single submitter. Criteria: Dines et al. (Genet Med. 2020). Collection method: curation. Allele origin: germline.
Comment: Missense variant in a coldspot region where missense variants are very unlikely to be pathogenic (PMID:31911673).

BRCA2 exon 11 coldspot. Reclassification based on statistical prior probability.

GeneDx
Classification: Uncertain significance. Last evaluated: 2021-01-07. Review status: criteria provided, single submitter. Criteria: GeneDx Variant Classification Process June 2021. Collection method: clinical testing. Allele origin: germline. Affected: yes.
Comment: Not observed in large population cohorts (Lek 2016); In silico analysis supports that this missense variant does not alter protein structure/function; Has not been previously published as pathogenic or benign to our knowledge; Also known as 6268G>A